The following is an entry in ClinVar:

NM_001377540.1(SLMAP):c.710G>A (p.Arg237Gln)

Gene: SLMAP (sarcolemma associated protein; plus strand). Cytogenetic location: 3p14.3.
Variant type: single nucleotide variant.
Coding change: c.710G>A on transcript NM_001377540.1 (MANE Select); coding-DNA position 710, G replaced by A.
Protein change: p.Arg237Gln; replaces arginine 237 with glutamine.
Molecular consequence: missense variant. On other transcripts: non-coding transcript variant (1).
Genome position (GRCh38, 1-based): chr3:57,860,721, G>A. VCF-style: chr3-57860721-G-A. GRCh37 (hg19) VCF-style: chr3-57846448-G-A.
Other names: c.710G>A, p.Arg237Gln (NM_001304420.3, NM_001304421.2, NM_001377538.1 and 17 more transcripts); short protein forms R237Q.
Identifiers: ClinVar variation 948736 (VCV000948736.7), dbSNP rs767174100, ClinGen allele CA2466911.

ClinVar aggregate classification (germline): Uncertain significance. Review status: criteria provided, multiple submitters, no conflicts (2 of 4 stars). 2 submissions from 2 submitters: Uncertain significance (2). Last evaluated 2025-12-16.

Conditions:
Brugada syndrome. Also called: Sudden unexpected nocturnal death syndrome; Sudden unexplained nocturnal death syndrome; Sudden Unexplained Death Syndrome; Sudden Unexplained Nocturnal Death Syndrome (SUNDS). Identifiers: Orphanet 130, MedGen C1142166, MONDO:0015263.

Allele frequency attached by ClinVar (database versions not stated): ExAC 0.00002; gnomAD exomes 0.00002 and 0.00003; gnomAD 0.00003; TOPMed 0.00005.
gnomAD v4.1: 54 of 1,563,852 alleles (0.0035%); highest among the groups gnomAD compares: Non-Finnish European, 0.004%; no homozygotes.

Submissions (2):

Labcorp Genetics (formerly Invitae), Labcorp
Classification: Uncertain significance for Brugada syndrome. Last evaluated: 2025-12-16. Review status: criteria provided, single submitter. Criteria: Invitae Variant Classification Sherloc (09022015). Collection method: clinical testing. Allele origin: germline.
Comment: This sequence change replaces arginine, which is basic and polar, with glutamine, which is neutral and polar, at codon 237 of the SLMAP protein (p.Arg237Gln). This variant is present in population databases (rs767174100, gnomAD 0.005%). This variant has not been reported in the literature in individuals affected with SLMAP-related conditions. ClinVar contains an entry for this variant (Variation ID: 948736). An algorithm developed to predict the effect of missense changes on protein structure and function (PolyPhen-2) suggests that this variant is likely to be disruptive. In summary, the available evidence is currently insufficient to determine the role of this variant in disease. Therefore, it has been classified as a Variant of Uncertain Significance.

Ambry Genetics
Classification: Uncertain significance. Last evaluated: 2024-07-28. Review status: criteria provided, single submitter. Criteria: Ambry Variant Classification Scheme 2023. Collection method: clinical testing. Allele origin: germline.
Comment: The p.R237Q variant (also known as c.710G>A), located in coding exon 8 of the SLMAP gene, results from a G to A substitution at nucleotide position 710. The arginine at codon 237 is replaced by glutamine, an amino acid with highly similar properties. This amino acid position is conserved. In addition, the in silico prediction for this alteration is inconclusive. Based on the available evidence, the clinical significance of this variant remains unclear.